The following is an entry in ClinVar:

NM_000030.3(AGXT):c.22G>A (p.Val8Met)

Gene: AGXT (alanine--glyoxylate aminotransferase; plus strand). Cytogenetic location: 2q37.3.
Variant type: single nucleotide variant.
Coding change: c.22G>A on transcript NM_000030.3 (MANE Select); coding-DNA position 22, G replaced by A.
Protein change: p.Val8Met; replaces valine 8 with methionine.
Molecular consequence: missense variant.
Genome position (GRCh38, 1-based): chr2:240,868,887, G>A. VCF-style: chr2-240868887-G-A. GRCh37 (hg19) VCF-style: chr2-241808304-G-A.
Other names: short protein forms V8M.
Identifiers: ClinVar variation 4525820 (VCV004525820.1).

ClinVar aggregate classification (germline): Uncertain significance (1 of 4 stars; one submission).

Submission:

Women's Health and Genetics/Laboratory Corporation of America, LabCorp
Classification: Uncertain significance. Last evaluated: 2025-07-17. Review status: criteria provided, single submitter. Criteria: LabCorp Variant Classification Summary - May 2015. Collection method: clinical testing. Allele origin: germline.
Comment: Variant summary: AGXT c.22G>A (p.Val8Met) results in a conservative amino acid change in the encoded protein sequence. Algorithms developed to predict the effect of missense changes on protein structure and function are either unavailable or do not agree on the potential impact of this missense change. The variant was absent in 245702 control chromosomes (gnomAD). The available data on variant occurrences in the general population are insufficient to allow any conclusion about variant significance. To our knowledge, no occurrence of c.22G>A in individuals affected with Primary Hyperoxaluria Type 1 and no experimental evidence demonstrating its impact on protein function have been reported. No submitters have cited clinical-significance assessments for this variant to ClinVar. Based on the evidence outlined above, the variant was classified as uncertain significance.